The following is an entry in ClinVar:

ClinVar aggregate classification (germline): Benign/Likely benign. Review status: criteria provided, multiple submitters, no conflicts (2 of 4 stars). 2 submissions from 2 submitters: Benign (1); Likely benign (1). Last evaluated 2026-07-01.

gnomAD v4.1: 503 of 1,612,064 alleles (0.031%); highest among the groups gnomAD compares: Middle Eastern, 0.32%; 3 homozygotes.

Submissions (2):

CeGaT Center for Human Genetics Tuebingen
Classification: Benign. Last evaluated: 2026-07-01. Review status: criteria provided, single submitter. Criteria: CeGaT Center For Human Genetics Tuebingen Variant Classification Criteria Version 2. Collection method: clinical testing. Allele origin: germline. Affected: yes. Observed: 1 variant allele.
Comment: ITPR3: BP4, BS1, BS2

Blueprint Genetics
Classification: Likely benign. Last evaluated: 2024-11-20. Review status: criteria provided, single submitter. Criteria: ACMG Guidelines, 2015. Collection method: clinical testing. Allele origin: germline.

NM_002224.4(ITPR3):c.3159C>T (p.Arg1053=)

Gene: ITPR3 (inositol 1,4,5-trisphosphate receptor type 3; plus strand). Cytogenetic location: 6p21.31.
Variant type: single nucleotide variant.
Coding change: c.3159C>T on transcript NM_002224.4 (MANE Select); coding-DNA position 3159, C replaced by T.
Protein change: p.Arg1053=; no amino-acid change (arginine 1053 retained).
Molecular consequence: synonymous variant.
Genome position (GRCh38, 1-based): chr6:33,675,733, C>T. VCF-style: chr6-33675733-C-T. GRCh37 (hg19) VCF-style: chr6-33643510-C-T.
Identifiers: ClinVar variation 4891684 (VCV004891684.2).